The following is an entry in ClinVar:

NM_018723.4(RBFOX1):c.212C>T (p.Thr71Met)

Gene: RBFOX1 (RNA binding fox-1 homolog 1; plus strand). Cytogenetic location: 16p13.3.
Variant type: single nucleotide variant.
Coding change: c.212C>T on transcript NM_018723.4 (MANE Select); coding-DNA position 212, C replaced by T.
Protein change: p.Thr71Met; replaces threonine 71 with methionine.
Molecular consequence: missense variant.
Genome position (GRCh38, 1-based): chr16:7,518,331, C>T. VCF-style: chr16-7518331-C-T. GRCh37 (hg19) VCF-style: chr16-7568333-C-T.
Other names: c.341C>T, p.Thr114Met (NM_001415891.1, NM_001415895.1, NM_001415897.1 and 5 more transcripts); c.320C>T, p.Thr107Met (NM_001415892.1, NM_001415894.1, NM_001415898.1 and 5 more transcripts); c.287C>T, p.Thr96Met (NM_001415893.1, NM_001415899.1, NM_001415890.1 and 4 more transcripts); c.272C>T, p.Thr91Met (NM_001415896.1, NM_145891.3, NM_145892.3 and 4 more transcripts); c.218C>T, p.Thr73Met (NM_001415917.1, NM_001415902.1, NM_001415911.1); c.212C>T, p.Thr71Met (NM_001142333.2, NM_001142334.2, NM_001364800.2 and 1 more transcripts); c.809C>T, p.Thr270Met (NM_001415887.1, NM_001415888.1); short protein forms T73M, T91M, T114M, T270M, T107M, T71M, T96M.
Identifiers: ClinVar variation 4765693 (VCV004765693.1).

ClinVar aggregate classification (germline): Uncertain significance (1 of 4 stars; one submission).

Conditions:
Idiopathic generalized epilepsy. Also called: EIG; Generalised epilepsy. Identifiers: MedGen C0270850, MONDO:0005579, OMIM 600669.

gnomAD v4.1: 2 of 1,613,928 alleles (0.00012%); highest among the groups gnomAD compares: South Asian, 0.0011%; no homozygotes.

Submission:

Labcorp Genetics (formerly Invitae), Labcorp
Classification: Uncertain significance for Idiopathic generalized epilepsy. Last evaluated: 2025-10-13. Review status: criteria provided, single submitter. Criteria: Invitae Variant Classification Sherloc (09022015). Collection method: clinical testing. Allele origin: germline.
Comment: This sequence change replaces threonine, which is neutral and polar, with methionine, which is neutral and non-polar, at codon 91 of the RBFOX1 protein (p.Thr91Met). This variant is present in population databases (no rsID available, gnomAD 0.003%). This variant has not been reported in the literature in individuals affected with RBFOX1-related conditions. Invitae Evidence Modeling of protein sequence and biophysical properties (such as structural, functional, and spatial information, amino acid conservation, physicochemical variation, residue mobility, and thermodynamic stability) indicates that this missense variant is not expected to disrupt RBFOX1 protein function with a negative predictive value of 80%. In summary, the available evidence is currently insufficient to determine the role of this variant in disease. Therefore, it has been classified as a Variant of Uncertain Significance.